The following is an entry in ClinVar:

NM_003737.4(DCHS1):c.4469C>A (p.Ala1490Glu)

Gene: DCHS1 (dachsous cadherin-related 1; minus strand). Cytogenetic location: 11p15.4.
Variant type: single nucleotide variant.
Coding change: c.4469C>A on transcript NM_003737.4 (MANE Select); coding-DNA position 4469, C replaced by A.
Protein change: p.Ala1490Glu; replaces alanine 1490 with glutamic acid.
Molecular consequence: missense variant.
Genome position (GRCh38, 1-based): chr11:6,630,325, G>T on the plus strand (C>A on the coding strand, the complement: DCHS1 is on the minus strand). VCF-style: chr11-6630325-G-T. GRCh37 (hg19) VCF-style: chr11-6651556-G-T.
Other names: c.4469C>A (NM_003737.2); short protein forms A1490E.
Identifiers: ClinVar variation 1311154 (VCV001311154.14), dbSNP rs746596862, ClinGen allele CA5860332.

ClinVar aggregate classification (germline): Uncertain significance. Review status: criteria provided, multiple submitters, no conflicts (2 of 4 stars). 4 submissions from 4 submitters: Uncertain significance (4). Last evaluated 2026-03-01.

Conditions:
Inborn genetic diseases. Identifiers: MedGen C0950123, MeSH D030342.

Allele frequency attached by ClinVar (database versions not stated): gnomAD exomes 0.00006; 1000 Genomes Project 30x 0.00016.
gnomAD v4.1: 359 of 1,329,888 alleles (0.027%); highest among the groups gnomAD compares: Non-Finnish European, 0.032%; 1 homozygote.

Submissions (4):

CeGaT Center for Human Genetics Tuebingen
Classification: Uncertain significance. Last evaluated: 2026-03-01. Review status: criteria provided, single submitter. Criteria: CeGaT Center For Human Genetics Tuebingen Variant Classification Criteria Version 2. Collection method: clinical testing. Allele origin: germline. Affected: yes. Observed: 1 variant allele.
Comment: DCHS1: PM2

Labcorp Genetics (formerly Invitae), Labcorp
Classification: Uncertain significance. Last evaluated: 2025-10-23. Review status: criteria provided, single submitter. Criteria: Invitae Variant Classification Sherloc (09022015). Collection method: clinical testing. Allele origin: germline.
Comment: This sequence change replaces alanine, which is neutral and non-polar, with glutamic acid, which is acidic and polar, at codon 1490 of the DCHS1 protein (p.Ala1490Glu). This variant is present in population databases (rs746596862, gnomAD 0.03%). This variant has not been reported in the literature in individuals affected with DCHS1-related conditions. ClinVar contains an entry for this variant (Variation ID: 1311154). Invitae Evidence Modeling of protein sequence and biophysical properties (such as structural, functional, and spatial information, amino acid conservation, physicochemical variation, residue mobility, and thermodynamic stability) indicates that this missense variant is not expected to disrupt DCHS1 protein function with a negative predictive value of 80%. In summary, the available evidence is currently insufficient to determine the role of this variant in disease. Therefore, it has been classified as a Variant of Uncertain Significance.

Ambry Genetics
Classification: Uncertain significance for Inborn genetic diseases. Last evaluated: 2024-08-12. Review status: criteria provided, single submitter. Criteria: Ambry Variant Classification Scheme 2023. Collection method: clinical testing. Allele origin: germline.

GeneDx
Classification: Uncertain significance. Last evaluated: 2019-09-09. Review status: criteria provided, single submitter. Criteria: GeneDx Variant Classification Process June 2021. Collection method: clinical testing. Allele origin: germline. Affected: yes.
Comment: In silico analysis, which includes protein predictors and evolutionary conservation, supports that this variant does not alter protein structure/function; Has not been previously published as pathogenic or benign to our knowledge